The following is an entry in ClinVar:

ClinVar aggregate classification (germline): Uncertain significance (1 of 4 stars; one submission).

gnomAD v4.1: 1 of 1,587,066 alleles (0.000063%); highest among the groups gnomAD compares: Non-Finnish European, 0.000085%; no homozygotes.

Submission:

CeGaT Center for Human Genetics Tuebingen
Classification: Uncertain significance. Last evaluated: 2024-02-01. Review status: criteria provided, single submitter. Criteria: CeGaT Center For Human Genetics Tuebingen Variant Classification Criteria Version 2. Collection method: clinical testing. Allele origin: germline. Affected: yes. Observed: 1 variant allele.
Comment: CNGB1: PM2

NM_001297.5(CNGB1):c.821G>T (p.Gly274Val)

Gene: CNGB1 (cyclic nucleotide gated channel subunit beta 1; minus strand). Cytogenetic location: 16q21.
Variant type: single nucleotide variant.
Coding change: c.821G>T on transcript NM_001297.5 (MANE Select); coding-DNA position 821, G replaced by T.
Protein change: p.Gly274Val; replaces glycine 274 with valine.
Molecular consequence: missense variant.
Genome position (GRCh38, 1-based): chr16:57,958,426, C>A on the plus strand (G>T on the coding strand, the complement: CNGB1 is on the minus strand). VCF-style: chr16-57958426-C-A. GRCh37 (hg19) VCF-style: chr16-57992330-C-A.
Other names: c.821G>T, p.Gly274Val (NM_001135639.2); c.803G>T, p.Gly268Val (NM_001286130.2); short protein forms G268V, G274V.
Identifiers: ClinVar variation 3027105 (VCV003027105.22), dbSNP rs2544674089, ClinGen allele CA396076617.